The following is an entry in ClinVar:

NM_000342.4(SLC4A1):c.823dup (p.His275fs)

Gene: SLC4A1 (solute carrier family 4 member 1 (Diego blood group); minus strand). Cytogenetic location: 17q21.31.
Variant type: Duplication.
Coding change: c.823dup on transcript NM_000342.4 (MANE Select); coding-DNA position 823, one base duplicated (C; older notation c.823dupC).
Protein change: p.His275fs; shifts the reading frame from histidine 275.
Molecular consequence: frameshift variant.
Genome position (GRCh38, 1-based): chr17:44,259,216, G duplicated on the plus strand (C on the coding strand, the reverse complement: SLC4A1 is on the minus strand); the first of 6 consecutive G bases (chr17:44,259,216-44,259,221); duplicating any one gives the same sequence. VCF-style (leftmost placement, unchanged base first): chr17-44259215-T-TG. GRCh37 (hg19) VCF-style: chr17-42336583-T-TG.
Other names: short protein forms H275fs.
Identifiers: ClinVar variation 2138052 (VCV002138052.5), dbSNP rs2509968342, ClinGen allele CA2580093871.
Genomic context (GRCh38, chr17:44,259,215, plus strand): 5'-TTCCTTACCCTCTCTGACATGAGGGTGGCAGCAGCCCGGCCAAGCTGGGTGTAATCGATG[T>TG]GGGGGGCCTCAGGTCCCAGCAACACAAAGAGGAAGCGTATAGGCACCGGCAGCTCCACCG-3'

ClinVar aggregate classification (germline): Pathogenic. Review status: criteria provided, multiple submitters, no conflicts (2 of 4 stars). 2 submissions from 2 submitters: Pathogenic (2). Last evaluated 2021-12-14.

Conditions:
SLC4A1-related disorder. Also called: SLC4A1-related condition; SLC4A1-related disorders.

Submissions (2):

Labcorp Genetics (formerly Invitae), Labcorp
Classification: Pathogenic. Last evaluated: 2021-12-14. Review status: criteria provided, single submitter. Criteria: Invitae Variant Classification Sherloc (09022015). Collection method: clinical testing. Allele origin: germline.
Comment: For these reasons, this variant has been classified as Pathogenic. This premature translational stop signal has been observed in individual(s) with hereditary spherocytosis (PMID: 8943874). This variant is not present in population databases (gnomAD no frequency). This sequence change creates a premature translational stop signal (p.His275Profs*96) in the SLC4A1 gene. It is expected to result in an absent or disrupted protein product. Loss-of-function variants in SLC4A1 are known to be pathogenic (PMID: 8943874, 23255290).

Blueprint Genetics
Classification: Pathogenic for SLC4A1-related disorders. Last evaluated: 2021-08-20. Review status: criteria provided, single submitter. Criteria: ACMG Guidelines, 2015. Collection method: clinical testing. Allele origin: germline. Affected: yes. Observed: 1 variant allele.

Literature cited by the submitters: PubMed 8943874 (cited by Labcorp Genetics (formerly Invitae), Labcorp); PubMed 23255290 (cited by Labcorp Genetics (formerly Invitae), Labcorp).